The following is an entry in ClinVar:

ClinVar aggregate classification (germline): Likely benign. Review status: criteria provided, multiple submitters, no conflicts (2 of 4 stars). 2 submissions from 2 submitters: Likely benign (2). Last evaluated 2026-01-16.

Conditions:
Multiple epiphyseal dysplasia type 4 (EDM4). Also called: Multiple Epiphyseal Dysplasia, Recessive; SLC26A2-Related Multiple Epiphyseal Dysplasia; MULTIPLE EPIPHYSEAL DYSPLASIA WITH BILAYERED PATELLAE; MULTIPLE EPIPHYSEAL DYSPLASIA WITH CLUBFOOT; MULTIPLE EPIPHYSEAL DYSPLASIA, AUTOSOMAL RECESSIVE. Identifiers: Orphanet 93307, MedGen C1847593, MONDO:0009189, OMIM 226900.
Achondrogenesis, type IB (ACG1B). Also called: Achondrogenesis Type 1B. Identifiers: Orphanet 932, Orphanet 93298, MedGen C0265274, MONDO:0010966, OMIM 600972.
Diastrophic dysplasia (DTD). Also called: Diastrophic dwarfism. Identifiers: Orphanet 628, MedGen C0220726, MONDO:0009107, OMIM 222600.
Atelosteogenesis type II (AO2). Also called: Neonatal osseous dysplasia 1; SLC26A2-Related Atelosteogenesis; NEONATAL OSSEOUS DYSPLASIA I. Identifiers: Orphanet 56304, MedGen C1850554, MONDO:0009727, OMIM 256050.

Allele frequency attached by ClinVar (database versions not stated): gnomAD exomes 0.00002 and 0.00007; ExAC 0.00010; ESP Exome Variant Server 0.00015; gnomAD 0.00020 and 0.00022; TOPMed 0.00030.
gnomAD v4.1: 64 of 1,578,066 alleles (0.0041%); highest among the groups gnomAD compares: African/African-American, 0.081%; no homozygotes.

Submissions (2):

Labcorp Genetics (formerly Invitae), Labcorp
Classification: Likely benign for Atelosteogenesis type II; Multiple epiphyseal dysplasia type 4; Achondrogenesis, type IB; Diastrophic dysplasia. Last evaluated: 2026-01-16. Review status: criteria provided, single submitter. Criteria: Invitae Variant Classification Sherloc (09022015). Collection method: clinical testing. Allele origin: germline.

GeneDx
Classification: Likely benign. Last evaluated: 2018-04-23. Review status: criteria provided, single submitter. Criteria: GeneDx Variant Classification (06012015). Collection method: clinical testing. Allele origin: germline. Affected: yes.
Comment: This variant is considered likely benign or benign based on one or more of the following criteria: it is a conservative change, it occurs at a poorly conserved position in the protein, it is predicted to be benign by multiple in silico algorithms, and/or has population frequency not consistent with disease.

NM_000112.4(SLC26A2):c.699+20T>C

Gene: SLC26A2 (solute carrier family 26 member 2; plus strand). Cytogenetic location: 5q32.
Variant type: single nucleotide variant.
Coding change: c.699+20T>C on transcript NM_000112.4 (MANE Select); 20 bases into the intron after coding-DNA position 699, T replaced by C.
Molecular consequence: intron variant.
Genome position (GRCh38, 1-based): chr5:149,978,371, T>C. VCF-style: chr5-149978371-T-C. GRCh37 (hg19) VCF-style: chr5-149357934-T-C.
Identifiers: ClinVar variation 682372 (VCV000682372.9), dbSNP rs368382498, ClinGen allele CA3505297.
Genomic context (GRCh38, chr5:149,978,371, plus strand): 5'-TGGTTGGCAGCACTGTAACCTTTATAGCTGGAGTTTATCAGGTAAGCAGCAATGAAACAA[T>C]TGGTTATTTCTAGAAAAGTAATCTAGTACATGAAATCTCATATCTCTAAGGGATCTGAGG-3'